The following is an entry in ClinVar:

ClinVar aggregate classification (germline): Likely benign (1 of 4 stars; one submission).

Conditions:
SIX3-related disorder. Also called: SIX3-related condition; SIX3-Related Disorders.

gnomAD v4.1: 50 of 1,585,324 alleles (0.0032%); highest among the groups gnomAD compares: South Asian, 0.052%; 1 homozygote.

Submission:

PreventionGenetics, part of Exact Sciences
Classification: Likely benign for SIX3-related condition. Last evaluated: 2026-06-12. Review status: criteria provided, single submitter. Criteria: ACMG Guidelines, 2015. Collection method: clinical testing. Allele origin: germline.
Comment: This variant is classified as likely benign based on ACMG/AMP sequence variant interpretation guidelines (Richards et al. 2015 PMID: 25741868, with internal and published modifications).

NM_005413.4(SIX3):c.-5A>T

Gene: SIX3 (SIX homeobox 3; plus strand). Cytogenetic location: 2p21.
Variant type: single nucleotide variant.
Coding change: c.-5A>T on transcript NM_005413.4 (MANE Select); 5 bases upstream of the start codon, A replaced by T.
Molecular consequence: 5 prime UTR variant.
Genome position (GRCh38, 1-based): chr2:44,942,100, A>T. VCF-style: chr2-44942100-A-T. GRCh37 (hg19) VCF-style: chr2-45169239-A-T.
Identifiers: ClinVar variation 4986622 (VCV004986622.1).